The following is an entry in ClinVar:

NM_000101.4(CYBA):c.467dup (p.Pro157fs)

Gene: CYBA (cytochrome b-245 alpha chain; minus strand). Cytogenetic location: 16q24.2.
Variant type: Duplication.
Coding change: c.467dup on transcript NM_000101.4 (MANE Select); coding-DNA position 467, one base duplicated (C; older notation c.467dupC).
Protein change: p.Pro157fs; shifts the reading frame from proline 157.
Molecular consequence: frameshift variant.
Genome position (GRCh38, 1-based): chr16:88,643,474, G duplicated on the plus strand (C on the coding strand, the reverse complement: CYBA is on the minus strand); the first of 6 consecutive G bases (chr16:88,643,474-88,643,479); duplicating any one gives the same sequence. VCF-style (leftmost placement, unchanged base first): chr16-88643473-C-CG. GRCh37 (hg19) VCF-style: chr16-88709881-C-CG.
Other names: short protein forms P157fs.
Identifiers: ClinVar variation 1977314 (VCV001977314.7), dbSNP rs2507521330, ClinGen allele CA2576090799.
Genomic context (GRCh38, chr16:88,643,473, plus strand): 5'-CGCCGCCACCGCAGCCTCCTCCTCGCTGGGCTTCTTGCGGGCCTCGGCCGGGGGCCGCGG[C>CG]GGGGGGTTGCTGGGCGGCTGCTTGATGGTGCCTCCGATCTGCGGCCGCTCCCGGGGCTTG-3'

ClinVar aggregate classification (germline): Pathogenic/Likely pathogenic. Review status: criteria provided, multiple submitters, no conflicts (2 of 4 stars). 2 submissions from 2 submitters: Pathogenic (1); Likely pathogenic (1). Last evaluated 2025-01-15.

Conditions:
Granulomatous disease, chronic, autosomal recessive, cytochrome b-negative. Also called: CGD DUE TO DEFICIENCY OF THE ALPHA SUBUNIT OF CYTOCHROME b; CGD, AUTOSOMAL RECESSIVE CYTOCHROME b-NEGATIVE; CYBA DEFICIENCY; GRANULOMATOUS DISEASE, CHRONIC, AUTOSOMAL RECESSIVE, 4; Chronic granulomatous disease, autosomal, due to deficiency of CYBA. Identifiers: Orphanet 379, MedGen C1856255, MONDO:0009308, OMIM 233690.

Submissions (2):

Labcorp Genetics (formerly Invitae), Labcorp
Classification: Pathogenic for Granulomatous disease, chronic, autosomal recessive, cytochrome b-negative. Last evaluated: 2025-01-15. Review status: criteria provided, single submitter. Criteria: Invitae Variant Classification Sherloc (09022015). Collection method: clinical testing. Allele origin: germline.
Comment: This sequence change results in a frameshift in the CYBA gene (p.Pro157Alafs*56). While this is not anticipated to result in nonsense mediated decay, it is expected to disrupt the last 39 amino acid(s) of the CYBA protein and extend the protein by 16 additional amino acid residues. This variant is not present in population databases (gnomAD no frequency). This variant has not been reported in the literature in individuals affected with CYBA-related conditions. ClinVar contains an entry for this variant (Variation ID: 1977314). Experimental studies and prediction algorithms are not available or were not evaluated, and the functional significance of this variant is currently unknown. This variant disrupts a region of the CYBA protein in which other variant(s) (p.Pro160Alafs*27) have been determined to be pathogenic (PMID: 20167518, 34547651). This suggests that this is a clinically significant region of the protein, and that variants that disrupt it are likely to be disease-causing. For these reasons, this variant has been classified as Pathogenic.

Fulgent Genetics
Classification: Likely pathogenic for Granulomatous disease, chronic, autosomal recessive, cytochrome b-negative. Last evaluated: 2024-04-06. Review status: criteria provided, single submitter. Criteria: ACMG Guidelines, 2015. Collection method: clinical testing. Allele origin: germline.

Literature cited by the submitters: PubMed 20167518 (cited by Labcorp Genetics (formerly Invitae), Labcorp); PubMed 34547651 (cited by Labcorp Genetics (formerly Invitae), Labcorp).